The following is an entry in ClinVar:

NM_000179.3(MSH6):c.2067C>T (p.Phe689=)

Gene: MSH6 (mutS homolog 6; plus strand). Cytogenetic location: 2p16.3.
Variant type: single nucleotide variant.
Coding change: c.2067C>T on transcript NM_000179.3 (MANE Select); coding-DNA position 2067, C replaced by T.
Protein change: p.Phe689=; no amino-acid change (phenylalanine 689 retained).
Molecular consequence: synonymous variant.
Genome position (GRCh38, 1-based): chr2:47,800,050, C>T. VCF-style: chr2-47800050-C-T. GRCh37 (hg19) VCF-style: chr2-48027189-C-T.
Other names: c.1677C>T, p.Phe559= (NM_001281492.2); c.1161C>T, p.Phe387= (NM_001281493.2, NM_001281494.2).
Identifiers: ClinVar variation 744687 (VCV000744687.14), dbSNP rs1572725594, ClinGen allele CA426121398.

ClinVar aggregate classification (germline): Conflicting classifications of pathogenicity. Review status: criteria provided, conflicting classifications (1 of 4 stars). 4 submissions from 4 submitters: Uncertain significance (1); Benign (1); Likely benign (2). Last evaluated 2024-12-30.

Conditions:
Lynch syndrome 5 (LYNCH5). Also called: Colorectal cancer, hereditary nonpolyposis, type 5; Hereditary non-polyposis colorectal cancer, type 5. Identifiers: Orphanet 144, MedGen C1833477, MONDO:0013710, OMIM 614350. Disease mechanism: loss of function.
Hereditary cancer-predisposing syndrome. Also called: Neoplastic Syndromes, Hereditary; Hereditary Cancer Syndrome; Tumor predisposition; Hereditary neoplastic syndrome. Identifiers: Orphanet 140162, MedGen C0027672, MeSH D009386, MONDO:0015356.
Hereditary nonpolyposis colorectal neoplasms. Identifiers: MedGen C0009405, MeSH D003123.

Allele frequency attached by ClinVar (database versions not stated): TOPMed below 0.00001.

Submissions (4):

Myriad Genetics, Inc.
Classification: Benign for Lynch syndrome 5. Last evaluated: 2024-12-30. Review status: criteria provided, single submitter. Criteria: Myriad Autosomal Dominant, Autosomal Recessive and X-Linked Classification Criteria (2023). Collection method: clinical testing. Allele origin: unknown.
Comment: This variant is considered benign. This variant is a silent/synonymous amino acid change and it is not expected to impact splicing.

Ambry Genetics
Classification: Likely benign for Hereditary cancer-predisposing syndrome. Last evaluated: 2024-12-20. Review status: criteria provided, single submitter. Criteria: Ambry Variant Classification Scheme 2023. Collection method: clinical testing. Allele origin: germline.

Labcorp Genetics (formerly Invitae), Labcorp
Classification: Likely benign for Hereditary nonpolyposis colorectal neoplasms. Last evaluated: 2024-03-13. Review status: criteria provided, single submitter. Criteria: Invitae Variant Classification Sherloc (09022015). Collection method: clinical testing. Allele origin: germline.

Quest Diagnostics Nichols Institute San Juan Capistrano
Classification: Uncertain significance. Last evaluated: 2019-11-12. Review status: criteria provided, single submitter. Criteria: Quest Diagnostics criteria. Collection method: clinical testing. Allele origin: unknown.